The following is an entry in ClinVar:

ClinVar aggregate classification (germline): Uncertain significance (1 of 4 stars; one submission).

Submission:

Labcorp Genetics (formerly Invitae), Labcorp
Classification: Uncertain significance. Last evaluated: 2022-09-15. Review status: criteria provided, single submitter. Criteria: Invitae Variant Classification Sherloc (09022015). Collection method: clinical testing. Allele origin: germline.
Comment: This variant is not present in population databases (gnomAD no frequency). This sequence change replaces proline, which is neutral and non-polar, with leucine, which is neutral and non-polar, at codon 399 of the RNF43 protein (p.Pro399Leu). This variant has not been reported in the literature in individuals affected with RNF43-related conditions. Algorithms developed to predict the effect of missense changes on protein structure and function output the following: SIFT: "Tolerated"; PolyPhen-2: "Benign"; Align-GVGD: "Class C0". The leucine amino acid residue is found in multiple mammalian species, which suggests that this missense change does not adversely affect protein function. In summary, the available evidence is currently insufficient to determine the role of this variant in disease. Therefore, it has been classified as a Variant of Uncertain Significance.

NM_017763.6(RNF43):c.1196C>T (p.Pro399Leu)

Gene: RNF43 (ring finger protein 43; minus strand). Cytogenetic location: 17q22.
Variant type: single nucleotide variant.
Coding change: c.1196C>T on transcript NM_017763.6 (MANE Select); coding-DNA position 1196, C replaced by T.
Protein change: p.Pro399Leu; replaces proline 399 with leucine.
Molecular consequence: missense variant.
Genome position (GRCh38, 1-based): chr17:58,358,580, G>A on the plus strand (C>T on the coding strand, the complement: RNF43 is on the minus strand). VCF-style: chr17-58358580-G-A. GRCh37 (hg19) VCF-style: chr17-56435941-G-A.
Other names: c.1196C>T, p.Pro399Leu (NM_001305544.3); c.815C>T, p.Pro272Leu (NM_001305545.2); short protein forms P272L, P399L.
Identifiers: ClinVar variation 2093022 (VCV002093022.4), dbSNP rs1432609177, ClinGen allele CA400331006.
Genomic context (GRCh38, chr17:58,358,580, plus strand): 5'-CTCAGTCCCCAGCCTTGTGCATAGGGGTGCTGGGCTCCTGCCAGGCGCTGCTGCTCTCCT[G>A]GAGCCCGGGGATGTGCAGCTCTGGGGAAGCGGTGATGCCGAGGGCCCATGCCTGGCTCCT-3'
Protein context (NP_060233.3, residues 389-409): RFPRAAHPRA[Pro399Leu]GEQQRLAGAQ